The following is an entry in ClinVar:

ClinVar aggregate classification (germline): Conflicting classifications of pathogenicity. Review status: criteria provided, conflicting classifications (1 of 4 stars). 6 submissions from 6 submitters: Uncertain significance (5); Likely benign (1). Last evaluated 2025-02-17.

Conditions:
Hypertrophic cardiomyopathy 1 (CMH1). Also called: MYH7-Related Familial Hypertrophic Cardiomyopathy; Familial hypertrophic cardiomyopathy 1. Identifiers: MedGen C3495498, MONDO:0008647, OMIM 192600.
Hypertrophic cardiomyopathy 14. Identifiers: MedGen C2750467, MONDO:0013197, OMIM 613251.
Sick sinus syndrome 3, susceptibility to (SSS3). Identifiers: Orphanet 166282, MedGen C3279791, MONDO:0013568, OMIM 614090.
Dilated cardiomyopathy 1EE (CMD1EE). Identifiers: Orphanet 154, MedGen C2750466, MONDO:0013198, OMIM 613252.
Atrial septal defect 3 (ASD3). Identifiers: Orphanet 1478, MedGen C3279790, MONDO:0013567, OMIM 614089.
Cardiovascular phenotype. Identifiers: MedGen CN230736.

Allele frequency attached by ClinVar (database versions not stated): gnomAD exomes 0.00001; ExAC 0.00002; gnomAD 0.00002; TOPMed 0.00002.
gnomAD v4.1: 99 of 1,614,002 alleles (0.0061%); highest among the groups gnomAD compares: Non-Finnish European, 0.0082%; no homozygotes.

Submissions (6):

Ambry Genetics
Classification: Uncertain significance for Cardiovascular phenotype. Last evaluated: 2025-02-17. Review status: criteria provided, single submitter. Criteria: Ambry Variant Classification Scheme 2023. Collection method: clinical testing. Allele origin: germline.
Comment: The p.K1932* variant (also known as c.5794A>T), located in coding exon 36 of the MYH6 gene, results from an A to T substitution at nucleotide position 5794. This changes the amino acid from a lysine to a stop codon within coding exon 36. This variant has been identified in the homozygous state and/or in conjunction with other MYH6 variant(s) in individual(s) with features consistent with congenital heart defects (Jin SC et al. Nat Genet, 2017 Nov;49:1593-1601; Alankarage D et al. Genet Med, 2019 05;21:1111-1120). This alteration occurs at the 3' terminus of theMYH6 gene, is not expected to trigger nonsense-mediated mRNAdecay, and only impacts the last 8 amino acids of the protein. The exact functional effect of this alteration is unknown. In addition, loss of function of MYH6 has not been established as a mechanism of disease. Based on the available evidence, the clinical significance of this alteration remains unclear.

Labcorp Genetics (formerly Invitae), Labcorp
Classification: Uncertain significance for Hypertrophic cardiomyopathy 14. Last evaluated: 2024-08-11. Review status: criteria provided, single submitter. Criteria: Invitae Variant Classification Sherloc (09022015). Collection method: clinical testing. Allele origin: germline.
Comment: This sequence change creates a premature translational stop signal (p.Lys1932*) in the MYH6 gene. While this is not anticipated to result in nonsense mediated decay, it is expected to disrupt the last 8 amino acid(s) of the MYH6 protein. This variant is present in population databases (rs763914096, gnomAD 0.003%). This premature translational stop signal has been observed in individual(s) with structural heart defects (PMID: 28991257, 30293987). ClinVar contains an entry for this variant (Variation ID: 566642). In summary, the available evidence is currently insufficient to determine the role of this variant in disease. Therefore, it has been classified as a Variant of Uncertain Significance.

GeneDx
Classification: Uncertain significance. Last evaluated: 2024-07-22. Review status: criteria provided, single submitter. Criteria: GeneDx Variant Classification Process June 2021. Collection method: clinical testing. Allele origin: germline. Affected: yes.
Comment: Nonsense variant predicted to result in protein truncation as the last 8 amino acids are lost in a gene for which loss-of-function is not an established mechanism of disease; Not observed at significant frequency in large population cohorts (gnomAD); This variant is associated with the following publications: (PMID: 30293987, 28991257)

Blueprint Genetics
Classification: Likely benign. Last evaluated: 2023-05-11. Review status: criteria provided, single submitter. Criteria: ACMG Guidelines, 2015. Collection method: clinical testing. Allele origin: germline.

Mayo Clinic Laboratories, Mayo Clinic
Classification: Uncertain significance. Last evaluated: 2022-02-03. Review status: criteria provided, single submitter. Criteria: ACMG Guidelines, 2015. Collection method: clinical testing. Allele origin: germline. Observed: 1 variant allele.
Comment: PVS1_moderate

Fulgent Genetics
Classification: Uncertain significance for Hypertrophic cardiomyopathy 1; Hypertrophic cardiomyopathy 14; Dilated cardiomyopathy 1EE; Atrial septal defect 3; Sick sinus syndrome 3, susceptibility to. Last evaluated: 2021-09-20. Review status: criteria provided, single submitter. Criteria: ACMG Guidelines, 2015. Collection method: clinical testing. Allele origin: unknown.

Literature cited by the submitters: PubMed 28991257 (cited by Ambry Genetics and Labcorp Genetics (formerly Invitae), Labcorp); PubMed 30293987 (cited by Ambry Genetics and Labcorp Genetics (formerly Invitae), Labcorp).

NM_002471.4(MYH6):c.5794A>T (p.Lys1932Ter)

Gene: MYH6 (myosin heavy chain 6; minus strand). Cytogenetic location: 14q11.2.
Variant type: single nucleotide variant.
Coding change: c.5794A>T on transcript NM_002471.4 (MANE Select); coding-DNA position 5794, A replaced by T.
Protein change: p.Lys1932Ter; replaces lysine 1932 with a stop codon.
Molecular consequence: nonsense.
Genome position (GRCh38, 1-based): chr14:23,382,430, T>A on the plus strand (A>T on the coding strand, the complement: MYH6 is on the minus strand). VCF-style: chr14-23382430-T-A. GRCh37 (hg19) VCF-style: chr14-23851639-T-A.
Other names: p.Lys1932*; short protein forms K1932*.
Identifiers: ClinVar variation 566642 (VCV000566642.14), dbSNP rs763914096, ClinGen allele CA7114283.